The following is an entry in ClinVar:

ClinVar aggregate classification (germline): Uncertain significance (1 of 4 stars; one submission).

Conditions:
Bardet-Biedl syndrome (BBS). Identifiers: Orphanet 110, MedGen C0752166, MONDO:0015229.

Allele frequency attached by ClinVar (database versions not stated): ExAC 0.00001; gnomAD exomes 0.00001.
gnomAD v4.1: 3 of 1,613,184 alleles (0.00019%); highest among the groups gnomAD compares: East Asian, 0.0022%; no homozygotes.

Submission:

Labcorp Genetics (formerly Invitae), Labcorp
Classification: Uncertain significance for Bardet-Biedl syndrome. Last evaluated: 2022-03-19. Review status: criteria provided, single submitter. Criteria: Invitae Variant Classification Sherloc (09022015). Collection method: clinical testing. Allele origin: germline.
Comment: In summary, the available evidence is currently insufficient to determine the role of this variant in disease. Therefore, it has been classified as a Variant of Uncertain Significance. Algorithms developed to predict the effect of missense changes on protein structure and function are either unavailable or do not agree on the potential impact of this missense change (SIFT: "Deleterious"; PolyPhen-2: "Probably Damaging"; Align-GVGD: "Class C0"). This variant has not been reported in the literature in individuals affected with BBS10-related conditions. This variant is present in population databases (rs766895183, gnomAD 0.006%). This sequence change replaces proline, which is neutral and non-polar, with serine, which is neutral and polar, at codon 31 of the BBS10 protein (p.Pro31Ser).

NM_024685.4(BBS10):c.91C>T (p.Pro31Ser)

Gene: BBS10 (Bardet-Biedl syndrome 10; minus strand). Cytogenetic location: 12q21.2.
Variant type: single nucleotide variant.
Coding change: c.91C>T on transcript NM_024685.4 (MANE Select); coding-DNA position 91, C replaced by T.
Protein change: p.Pro31Ser; replaces proline 31 with serine.
Molecular consequence: missense variant.
Genome position (GRCh38, 1-based): chr12:76,348,268, G>A on the plus strand (C>T on the coding strand, the complement: BBS10 is on the minus strand). VCF-style: chr12-76348268-G-A. GRCh37 (hg19) VCF-style: chr12-76742048-G-A.
Other names: short protein forms P31S.
Identifiers: ClinVar variation 2067936 (VCV002067936.3), dbSNP rs766895183, ClinGen allele CA6694428.